The following is an entry in ClinVar:

ClinVar aggregate classification (germline): Uncertain significance (1 of 4 stars; one submission).

Allele frequency attached by ClinVar (database versions not stated): gnomAD exomes 0.00001; ExAC 0.00002.
gnomAD v4.1: 4 of 1,211,403 alleles (0.00033%); highest among the groups gnomAD compares: Admixed American, 0.0022%; no homozygotes.

Submission:

Labcorp Genetics (formerly Invitae), Labcorp
Classification: Uncertain significance. Last evaluated: 2022-07-01. Review status: criteria provided, single submitter. Criteria: Invitae Variant Classification Sherloc (09022015). Collection method: clinical testing. Allele origin: germline.
Comment: In summary, the available evidence is currently insufficient to determine the role of this variant in disease. Therefore, it has been classified as a Variant of Uncertain Significance. Algorithms developed to predict the effect of missense changes on protein structure and function are either unavailable or do not agree on the potential impact of this missense change (SIFT: "Tolerated"; PolyPhen-2: "Possibly Damaging"; Align-GVGD: "Class C0"). This variant has not been reported in the literature in individuals affected with DRP2-related conditions. This variant is present in population databases (rs763029709, gnomAD 0.004%). This sequence change replaces histidine, which is basic and polar, with asparagine, which is neutral and polar, at codon 173 of the DRP2 protein (p.His173Asn).

NM_001939.3(DRP2):c.517C>A (p.His173Asn)

Gene: DRP2 (dystrophin related protein 2; plus strand). Cytogenetic location: Xq22.1.
Variant type: single nucleotide variant.
Coding change: c.517C>A on transcript NM_001939.3 (MANE Select); coding-DNA position 517, C replaced by A.
Protein change: p.His173Asn; replaces histidine 173 with asparagine.
Molecular consequence: missense variant.
Genome position (GRCh38, 1-based): chrX:101,239,059, C>A. VCF-style: chrX-101239059-C-A. GRCh37 (hg19) VCF-style: chrX-100494048-C-A.
Other names: c.283C>A, p.His95Asn (NM_001171184.2); short protein forms H173N, H95N.
Identifiers: ClinVar variation 2012942 (VCV002012942.4), dbSNP rs763029709, ClinGen allele CA10472086.